The following is an entry in ClinVar:

NM_000202.8(IDS):c.1436_1457dup (p.Ile487fs)

Gene: IDS (iduronate 2-sulfatase; minus strand). Cytogenetic location: Xq28.
Variant type: Duplication.
Coding change: c.1436_1457dup on transcript NM_000202.8 (MANE Select); coding-DNA positions 1436 to 1457, 22 bases duplicated (AGCCGAGTTTAAAAGATATAAA).
Protein change: p.Ile487fs; shifts the reading frame from isoleucine 487.
Molecular consequence: frameshift variant.
Genome position (GRCh38, 1-based): chrX:149,482,942-149,482,963, TTTATATCTTTTAAACTCGGCT duplicated on the plus strand (AGCCGAGTTTAAAAGATATAAA on the coding strand, the reverse complement: IDS is on the minus strand); duplicating any 22 consecutive bases within chrX:149,482,942-149,482,964 gives the same sequence; the c. name uses the placement nearest the transcript's 3' end. VCF-style (leftmost placement, unchanged base first): chrX-149482941-C-CTTTATATCTTTTAAACTCGGCT. GRCh37 (hg19) VCF-style: chrX-148564472-C-CTTTATATCTTTTAAACTCGGCT.
Other names: c.1166_1187dup, p.Ile397fs (NM_001166550.4); c.1435_1456dupAAGCCGAGTTTAAAAGATATAA (NM_000202.8); short protein forms I397fs, I487fs.
Identifiers: ClinVar variation 1065519 (VCV001065519.3), dbSNP rs2123994213, ClinGen allele CA2499226408.

ClinVar aggregate classification (germline): Likely pathogenic. Review status: criteria provided, single submitter (1 of 4 stars). 2 submissions from 2 submitters: Likely pathogenic (1). 1 of the submissions does not count toward it. Last evaluated 2024-06-07.

Conditions:
Mucopolysaccharidosis, MPS-II (MPS2). Also called: IDS deficiency; Sulfoiduronate sulfatase deficiency; SIDS deficiency; Hunter Syndrome; IDURONATE 2-SULFATASE DEFICIENCY; Mucopolysaccharidosis Type II. Identifiers: Orphanet 580, Orphanet 79388, MedGen C0026705, MONDO:0010674, OMIM 309900.

Submissions (2):

Laboratory of Diagnosis and Therapy of Lysosomal Disorders, University of Padova
Classification: Likely pathogenic for Mucopolysaccharidosis, MPS-II. Last evaluated: 2024-06-07. Review status: criteria provided, single submitter. Criteria: ACMG Guidelines, 2015. Collection method: literature only. Allele origin: germline. Affected: yes. Observed: 2 variant alleles.
Comment: Null variant (PVS1_Strong), Absent from controls (or at low frequency) in gnomAD database (PM2_Moderate), Patient’s phenotype or family history highly specific for the disease (PP4_Moderate)

Classification method: ACMG Guidelines [PMID:25741868] with modifications

Division of Medical Genetics, Department of Pediatrics, All India Institute of Medical Sciences, New Delhi
Classification: Likely pathogenic for Mucopolysaccharidosis, MPS-II. Last evaluated: 2014-01-01. Review status: no assertion criteria provided. Collection method: research. Allele origin: germline. Inheritance: X-linked recessive inheritance. Affected: yes. Observed: 1 variant allele, 1 hemizygote. Not counted in ClinVar's aggregate classification.
Comment: The change c.1435_1456dupAAGCCGAGTTTAAAAGATATAA, (p.I487Afs*19) was found to be a novel small frame-shift duplication variant, where duplication of 22 nucleotides at position c.1435_1456 leads to frameshift change in the ORF of the translated peptide leading to substitution of an aliphatic nonpolar neutral amino acid Isoleucine at 487 position by aliphatic nonpolar neutral amino acid Alanine. This leads to change in peptide sequence and formation of a stop codon 19 amino acid downstream of the variant. It was detected in hemizygous state in one of the family with two sever phenotype MPS-II sibs, Indian origin.

Literature cited by the submitters: PubMed 35144014 (cited by Laboratory of Diagnosis and Therapy of Lysosomal Disorders, University of Padova).